The following is an entry in ClinVar:

ClinVar aggregate classification (germline): Uncertain significance. Review status: criteria provided, multiple submitters, no conflicts (2 of 4 stars). 3 submissions from 3 submitters: Uncertain significance (3). Last evaluated 2024-09-13.

Allele frequency attached by ClinVar (database versions not stated): ExAC 0.00001; gnomAD 0.00002; TOPMed 0.00002; gnomAD exomes 0.00006.
gnomAD v4.1: 82 of 1,612,828 alleles (0.0051%); highest among the groups gnomAD compares: Middle Eastern, 0.049%; no homozygotes.

Submissions (3):

Blueprint Genetics
Classification: Uncertain significance. Last evaluated: 2024-09-13. Review status: criteria provided, single submitter. Criteria: ACMG Guidelines, 2015. Collection method: clinical testing. Allele origin: germline.

Ambry Genetics
Classification: Uncertain significance. Last evaluated: 2024-06-17. Review status: criteria provided, single submitter. Criteria: Ambry Variant Classification Scheme 2023. Collection method: clinical testing. Allele origin: germline.

Labcorp Genetics (formerly Invitae), Labcorp
Classification: Uncertain significance. Last evaluated: 2023-02-26. Review status: criteria provided, single submitter. Criteria: Invitae Variant Classification Sherloc (09022015). Collection method: clinical testing. Allele origin: germline.
Comment: This sequence change replaces methionine, which is neutral and non-polar, with threonine, which is neutral and polar, at codon 335 of the ZNF513 protein (p.Met335Thr). This variant is present in population databases (rs776682459, gnomAD 0.004%). In summary, the available evidence is currently insufficient to determine the role of this variant in disease. Therefore, it has been classified as a Variant of Uncertain Significance. Algorithms developed to predict the effect of missense changes on protein structure and function output the following: SIFT: "Not Available"; PolyPhen-2: "Benign"; Align-GVGD: "Not Available". The threonine amino acid residue is found in multiple mammalian species, which suggests that this missense change does not adversely affect protein function. This variant has not been reported in the literature in individuals affected with ZNF513-related conditions.

NM_144631.6(ZNF513):c.1004T>C (p.Met335Thr)

Gene: ZNF513 (zinc finger protein 513; minus strand). Cytogenetic location: 2p23.3.
Variant type: single nucleotide variant.
Coding change: c.1004T>C on transcript NM_144631.6 (MANE Select); coding-DNA position 1004, T replaced by C.
Protein change: p.Met335Thr; replaces methionine 335 with threonine.
Molecular consequence: missense variant.
Genome position (GRCh38, 1-based): chr2:27,378,167, A>G on the plus strand (T>C on the coding strand, the complement: ZNF513 is on the minus strand). VCF-style: chr2-27378167-A-G. GRCh37 (hg19) VCF-style: chr2-27601034-A-G.
Other names: c.818T>C, p.Met273Thr (NM_001201459.2); c.1004T>C (NM_144631.5); short protein forms M273T, M335T.
Identifiers: ClinVar variation 2730388 (VCV002730388.5), dbSNP rs776682459, ClinGen allele CA1577878.